The following is an entry in ClinVar:

NM_015272.5(RPGRIP1L):c.2327C>T (p.Thr776Ile)

Gene: RPGRIP1L (RPGRIP1 like; minus strand). Cytogenetic location: 16q12.2.
Variant type: single nucleotide variant.
Coding change: c.2327C>T on transcript NM_015272.5 (MANE Select); coding-DNA position 2327, C replaced by T.
Protein change: p.Thr776Ile; replaces threonine 776 with isoleucine.
Molecular consequence: missense variant.
Genome position (GRCh38, 1-based): chr16:53,645,981, G>A on the plus strand (C>T on the coding strand, the complement: RPGRIP1L is on the minus strand). VCF-style: chr16-53645981-G-A. GRCh37 (hg19) VCF-style: chr16-53679893-G-A.
Other names: c.2327C>T, p.Thr776Ile (NM_001127897.4, NM_001308334.3, NM_001330538.2); c.2327C>T (NM_015272.4); short protein forms T776I.
Identifiers: ClinVar variation 319659 (VCV000319659.9), dbSNP rs771545136, ClinGen allele CA8057565.

ClinVar aggregate classification (germline): Uncertain significance. Review status: criteria provided, multiple submitters, no conflicts (2 of 4 stars). 6 submissions from 4 submitters: Uncertain significance (6). Last evaluated 2026-07-22.

Conditions:
RPGRIP1L-related disorder. Also called: RPGRIP1L-related disorders; RPGRIP1L-related condition. Identifiers: MedGen CN239416.
Joubert syndrome. Also called: Familial aplasia of the vermis; JOUBERT-BOLTSHAUSER SYNDROME. Identifiers: Orphanet 475, MedGen C5979921, MONDO:0018772.
Meckel-Gruber syndrome. Also called: DYSENCEPHALIA SPLANCHNOCYSTICA; GRUBER SYNDROME; Dysencephalia splachnocystica. Identifiers: Orphanet 564, MedGen C0265215, MONDO:0018921.
Joubert syndrome 7 (JBTS7). Identifiers: Orphanet 220497, MedGen C1969053, MONDO:0012694, OMIM 611560.
Meckel syndrome, type 5 (MKS5). Identifiers: Orphanet 564, MedGen C1969052, MONDO:0012695, OMIM 611561.
COACH syndrome 3. Identifiers: MedGen C5436841, MONDO:0030862, OMIM 619113.
Nephronophthisis 8. Identifiers: MedGen CN119610.

Allele frequency attached by ClinVar (database versions not stated): ExAC 0.00001; gnomAD exomes 0.00001; TOPMed 0.00001.

Submissions (6):

PreventionGenetics, part of Exact Sciences
Classification: Uncertain significance for RPGRIP1L-related condition. Last evaluated: 2026-07-22. Review status: criteria provided, single submitter. Criteria: ACMG Guidelines, 2015. Collection method: clinical testing. Allele origin: germline.
Comment: The RPGRIP1L c.2327C>T variant is predicted to result in the amino acid substitution p.Thr776Ile. To our knowledge, this variant has not been reported in the literature. This variant is reported in 0.0026% of alleles in individuals of European (Non-Finnish) descent in gnomAD. At this time, the clinical significance of this variant is uncertain due to the absence of conclusive functional and genetic evidence.

Fulgent Genetics
Classification: Uncertain significance for Joubert syndrome 7; Meckel syndrome, type 5; COACH syndrome 3. Last evaluated: 2024-02-03. Review status: criteria provided, single submitter. Criteria: ACMG Guidelines, 2015. Collection method: clinical testing. Allele origin: germline.

Labcorp Genetics (formerly Invitae), Labcorp
Classification: Uncertain significance for Joubert syndrome; Meckel-Gruber syndrome. Last evaluated: 2021-09-24. Review status: criteria provided, single submitter. Criteria: Invitae Variant Classification Sherloc (09022015). Collection method: clinical testing. Allele origin: germline.
Comment: This sequence change replaces threonine with isoleucine at codon 776 of the RPGRIP1L protein (p.Thr776Ile). The threonine residue is moderately conserved and there is a moderate physicochemical difference between threonine and isoleucine. This variant is present in population databases (rs771545136, ExAC 0.001%). This variant has not been reported in the literature in individuals affected with RPGRIP1L-related conditions. ClinVar contains an entry for this variant (Variation ID: 319659). Algorithms developed to predict the effect of missense changes on protein structure and function (SIFT, PolyPhen-2, Align-GVGD) all suggest that this variant is likely to be tolerated. In summary, the available evidence is currently insufficient to determine the role of this variant in disease. Therefore, it has been classified as a Variant of Uncertain Significance.

Illumina Laboratory Services, Illumina
Classification: Uncertain significance for Joubert syndrome 7. Last evaluated: 2018-01-13. Review status: criteria provided, single submitter. Criteria: ICSL Variant Classification Criteria 13 December 2019. Collection method: clinical testing. Allele origin: germline.

Illumina Laboratory Services, Illumina
Classification: Uncertain significance for Nephronophthisis 8. Last evaluated: 2018-01-13. Review status: criteria provided, single submitter. Criteria: ICSL Variant Classification Criteria 13 December 2019. Collection method: clinical testing. Allele origin: germline.

Illumina Laboratory Services, Illumina
Classification: Uncertain significance for Meckel syndrome, type 5. Last evaluated: 2018-01-13. Review status: criteria provided, single submitter. Criteria: ICSL Variant Classification Criteria 13 December 2019. Collection method: clinical testing. Allele origin: germline.